The following is an entry in ClinVar:

ClinVar aggregate classification (germline): Uncertain significance (1 of 4 stars; one submission).

Conditions:
DICER1-related tumor predisposition. Also called: DICER1-related pleuropulmonary blastoma cancer predisposition syndrome; DICER1 syndrome. Identifiers: Orphanet 284343, MedGen C3839822, MONDO:0100216.

Submission:

Labcorp Genetics (formerly Invitae), Labcorp
Classification: Uncertain significance for DICER1-related tumor predisposition. Last evaluated: 2024-05-06. Review status: criteria provided, single submitter. Criteria: Invitae Variant Classification Sherloc (09022015). Collection method: clinical testing. Allele origin: germline.
Comment: This sequence change replaces histidine, which is basic and polar, with arginine, which is basic and polar, at codon 1146 of the DICER1 protein (p.His1146Arg). This variant is not present in population databases (gnomAD no frequency). This variant has not been reported in the literature in individuals affected with DICER1-related conditions. ClinVar contains an entry for this variant (Variation ID: 566255). Advanced modeling of protein sequence and biophysical properties (such as structural, functional, and spatial information, amino acid conservation, physicochemical variation, residue mobility, and thermodynamic stability) performed at Invitae indicates that this missense variant is not expected to disrupt DICER1 protein function with a negative predictive value of 80%. In summary, the available evidence is currently insufficient to determine the role of this variant in disease. Therefore, it has been classified as a Variant of Uncertain Significance.

NM_177438.3(DICER1):c.3437A>G (p.His1146Arg)

Gene: DICER1 (dicer 1, ribonuclease III; minus strand). Cytogenetic location: 14q32.13.
Variant type: single nucleotide variant.
Coding change: c.3437A>G on transcript NM_177438.3 (MANE Select); coding-DNA position 3437, A replaced by G.
Protein change: p.His1146Arg; replaces histidine 1146 with arginine.
Molecular consequence: missense variant.
Genome position (GRCh38, 1-based): chr14:95,103,959, T>C on the plus strand (A>G on the coding strand, the complement: DICER1 is on the minus strand). VCF-style: chr14-95103959-T-C. GRCh37 (hg19) VCF-style: chr14-95570296-T-C.
Other names: c.3437A>G, p.His1146Arg (NM_001195573.1, NM_001271282.3, NM_001291628.2 and 1 more transcripts); short protein forms H1146R.
Identifiers: ClinVar variation 566255 (VCV000566255.10), dbSNP rs1566769004, ClinGen allele CA390875443.
Genomic context (GRCh38, chr14:95,103,959, plus strand): 5'-ACGTGGAGCTTACCAGGGGACTCGCTGAGCAACGTTCTGCAGTTCACAGACATTTGGTCA[T>C]GATTTTCTAGAGAGGAGGTTCTATTAGCACCTTGATGTGCAGCATTTTCAGGGACAATTG-3'
Protein context (NP_803187.1, residues 1136-1156): GANRTSSLEN[His1146Arg]DQMSVNCRTL